The following is an entry in ClinVar:

NM_025137.4(SPG11):c.6157G>A (p.Val2053Met)

Gene: SPG11 (SPG11 vesicle trafficking associated, spatacsin; minus strand). Cytogenetic location: 15q21.1.
Variant type: single nucleotide variant.
Coding change: c.6157G>A on transcript NM_025137.4 (MANE Select); coding-DNA position 6157, G replaced by A.
Protein change: p.Val2053Met; replaces valine 2053 with methionine.
Molecular consequence: missense variant. On other transcripts: intron variant (1).
Genome position (GRCh38, 1-based): chr15:44,573,595, C>T on the plus strand (G>A on the coding strand, the complement: SPG11 is on the minus strand). VCF-style: chr15-44573595-C-T. GRCh37 (hg19) VCF-style: chr15-44865793-C-T.
Other names: c.5867-775G>A (NM_001160227.2); short protein forms V2053M.
Identifiers: ClinVar variation 41341 (VCV000041341.30), dbSNP rs149003934, ClinGen allele CA344372.

ClinVar aggregate classification (germline): Conflicting classifications of pathogenicity. Review status: criteria provided, conflicting classifications (1 of 4 stars). 13 submissions from 11 submitters: Likely pathogenic (3); Uncertain significance (9). 1 of the submissions does not count toward it. Last evaluated 2026-07-01.

Conditions:
Charcot-Marie-Tooth disease axonal type 2X. Also called: CHARCOT-MARIE-TOOTH DISEASE, AXONAL, AUTOSOMAL RECESSIVE, TYPE 2X; CHARCOT-MARIE-TOOTH NEUROPATHY, TYPE 2X. Identifiers: Orphanet 466775, MedGen C5569024, MONDO:0014726, OMIM 616668.
Amyotrophic lateral sclerosis type 5 (ALS5). Also called: AMYOTROPHIC LATERAL SCLEROSIS 5, JUVENILE. Identifiers: Orphanet 300605, MedGen C1865864, MONDO:0011196, OMIM 602099.
Hereditary spastic paraplegia 11. Also called: Spastic Paraplegia 11; Spastic paraplegia, mental retardation and thin corpus callosum; Nakamura Osame syndrome; Autosomal recessive hereditary spastic paraplegia, mental impairment, and thin corpus callosum; SPASTIC PARAPLEGIA, AUTOSOMAL RECESSIVE, COMPLICATED, WITH THIN CORPUS CALLOSUM; SPASTIC PARAPLEGIA, AUTOSOMAL RECESSIVE, WITH MENTAL IMPAIRMENT AND THIN CORPUS CALLOSUM. Identifiers: Orphanet 2822, MedGen C1858479, MONDO:0011445, OMIM 604360.
SPG11-related disorder. Also called: SPG11-related condition.

Allele frequency attached by ClinVar (database versions not stated): gnomAD 0.00006; ESP Exome Variant Server 0.00023; ExAC 0.00003; TOPMed 0.00007; gnomAD exomes 0.00019 and 0.00003.
gnomAD v4.1: 287 of 1,614,062 alleles (0.018%); highest among the groups gnomAD compares: Non-Finnish European, 0.023%; no homozygotes.

Submissions (13):

CeGaT Center for Human Genetics Tuebingen
Classification: Uncertain significance. Last evaluated: 2026-07-01. Review status: criteria provided, single submitter. Criteria: CeGaT Center For Human Genetics Tuebingen Variant Classification Criteria Version 2. Collection method: clinical testing. Allele origin: germline. Affected: yes. Observed: 1 variant allele.
Comment: SPG11: PM2, PM3:Supporting

Labcorp Genetics (formerly Invitae), Labcorp
Classification: Likely pathogenic for Hereditary spastic paraplegia 11. Last evaluated: 2026-01-15. Review status: criteria provided, single submitter. Criteria: Invitae Variant Classification Sherloc (09022015). Collection method: clinical testing. Allele origin: germline.
Comment: This sequence change replaces valine, which is neutral and non-polar, with methionine, which is neutral and non-polar, at codon 2053 of the SPG11 protein (p.Val2053Met). This variant is present in population databases (rs149003934, gnomAD 0.007%). This missense change has been observed in individuals with clinical features of SPG11-related conditions (PMID: 17717710, 19196735, 20110243, 24833714, 34153142, 35752680). It has also been observed to segregate with disease in related individuals. ClinVar contains an entry for this variant (Variation ID: 41341). Invitae Evidence Modeling of protein sequence and biophysical properties (such as structural, functional, and spatial information, amino acid conservation, physicochemical variation, residue mobility, and thermodynamic stability) indicates that this missense variant is expected to disrupt SPG11 protein function with a positive predictive value of 80%. In summary, the currently available evidence indicates that the variant is pathogenic, but additional data are needed to prove that conclusively. Therefore, this variant has been classified as Likely Pathogenic.

PreventionGenetics, part of Exact Sciences
Classification: Uncertain significance for SPG11-related condition. Last evaluated: 2025-09-03. Review status: criteria provided, single submitter. Criteria: ACMG Guidelines, 2015. Collection method: clinical testing. Allele origin: germline.
Comment: The SPG11 c.6157G>A variant is predicted to result in the amino acid substitution p.Val2053Met. This variant has been reported in individuals with spastic paraplegia; however, multiple individuals with this variant also carried SPG11 c.733_734del in the homozygous state, which indicates this variant occurred in cis with the known pathogenic variant (Del Bo et al. 2007. PubMed ID: 17717710; Crimella et al. 2009. PubMed ID: 19196735; Pensanto et al. 2014. PubMed ID: 24833714). It has also been reported in the homozygous state in siblings with juvenile amyotrophic lateral sclerosis (ALS; Orlacchio et al. 2010. PubMed ID: 20110243). This variant is reported in 0.0062% of alleles in individuals of European (non-Finnish) descent in gnomAD. At this time, the clinical significance of this variant is uncertain due to the absence of conclusive functional and genetic evidence.

Women's Health and Genetics/Laboratory Corporation of America, LabCorp
Classification: Likely pathogenic for Hereditary spastic paraplegia 11. Last evaluated: 2025-07-28. Review status: criteria provided, single submitter. Criteria: LabCorp Variant Classification Summary - May 2015. Collection method: clinical testing. Allele origin: germline.
Comment: Variant summary: SPG11 c.6157G>A (p.Val2053Met) results in a conservative amino acid change in the encoded protein sequence. Algorithms developed to predict the effect of missense changes on protein structure and function are either unavailable or do not agree on the potential impact of this missense change. The variant allele was found at a frequency of 2.8e-05 in 251412 control chromosomes. c.6157G>A has been observed in individual(s) affected with Hereditary spastic paraplegia 11 and related conditions (Crimella_2009, Orlacchio_2010). These data indicate that the variant is likely to be associated with disease. To our knowledge, no experimental evidence demonstrating an impact on protein function has been reported. The following publications have been ascertained in the context of this evaluation (PMID: 19196735, 20110243). ClinVar contains an entry for this variant (Variation ID: 41341). Based on the evidence outlined above, the variant was classified as likely pathogenic.

Blueprint Genetics
Classification: Uncertain significance. Last evaluated: 2024-09-11. Review status: criteria provided, single submitter. Criteria: ACMG Guidelines, 2015. Collection method: clinical testing. Allele origin: germline.

Fulgent Genetics
Classification: Likely pathogenic for Amyotrophic lateral sclerosis type 5; Hereditary spastic paraplegia 11; Charcot-Marie-Tooth disease axonal type 2X. Last evaluated: 2024-06-17. Review status: criteria provided, single submitter. Criteria: ACMG Guidelines, 2015. Collection method: clinical testing. Allele origin: germline.

Department of Pathology and Laboratory Medicine, Sinai Health System
Classification: Uncertain significance for Amyotrophic lateral sclerosis type 5; Hereditary spastic paraplegia 11; Charcot-Marie-Tooth disease axonal type 2X. Last evaluated: 2023-05-01. Review status: criteria provided, single submitter. Criteria: ACMG Guidelines, 2015. Collection method: research. Allele origin: germline.

Mayo Clinic Laboratories, Mayo Clinic
Classification: Uncertain significance. Last evaluated: 2020-10-23. Review status: criteria provided, single submitter. Criteria: ACMG Guidelines, 2015. Collection method: clinical testing. Allele origin: germline. Observed: 1 variant allele.

Eurofins Ntd Llc (ga)
Classification: Uncertain significance. Last evaluated: 2017-05-08. Review status: criteria provided, single submitter. Criteria: EGL Classification Definitions 2015. Collection method: clinical testing. Allele origin: germline. Observed: 1 variant allele, 1 heterozygote.

Genome-Nilou Lab
Classification: Uncertain significance for Amyotrophic lateral sclerosis type 5. Review status: criteria provided, single submitter. Criteria: ACMG Guidelines, 2015. Collection method: clinical testing. Allele origin: germline.

Genome-Nilou Lab
Classification: Uncertain significance for Charcot-Marie-Tooth disease axonal type 2X. Review status: criteria provided, single submitter. Criteria: ACMG Guidelines, 2015. Collection method: clinical testing. Allele origin: germline.

Genome-Nilou Lab
Classification: Uncertain significance for Hereditary spastic paraplegia 11. Review status: criteria provided, single submitter. Criteria: ACMG Guidelines, 2015. Collection method: clinical testing. Allele origin: germline.

GeneReviews
No classification provided. Condition: Hereditary spastic paraplegia 11. Review status: no classification provided. Collection method: literature only. Allele origin: unknown. Not counted in ClinVar's aggregate classification.

Literature cited by the submitters: PubMed 17717710 (cited by Labcorp Genetics (formerly Invitae), Labcorp); PubMed 19196735 (cited by 3 submitters); PubMed 20110243 (cited by Labcorp Genetics (formerly Invitae), Labcorp and Women's Health and Genetics/Laboratory Corporation of America, LabCorp); PubMed 24833714 (cited by Labcorp Genetics (formerly Invitae), Labcorp); PubMed 34153142 (cited by Labcorp Genetics (formerly Invitae), Labcorp); PubMed 35752680 (cited by Labcorp Genetics (formerly Invitae), Labcorp); PubMed 20301389 (cited by GeneReviews); NCBI Bookshelf NBK1210 (cited by GeneReviews).